The following is an entry in ClinVar:

NM_001384732.1(CPLANE1):c.2501-50A>G

Gene: CPLANE1 (ciliogenesis and planar polarity effector complex subunit 1; minus strand). Cytogenetic location: 5p13.2.
Variant type: single nucleotide variant.
Coding change: c.2501-50A>G on transcript NM_001384732.1 (MANE Select); 50 bases into the intron before coding-DNA position 2501, A replaced by G.
Molecular consequence: intron variant.
Genome position (GRCh38, 1-based): chr5:37,224,383, T>C on the plus strand (A>G on the coding strand, the complement: CPLANE1 is on the minus strand). VCF-style: chr5-37224383-T-C. GRCh37 (hg19) VCF-style: chr5-37224485-T-C.
Other names: c.2501-50A>G (NM_023073.4).
Identifiers: ClinVar variation 675179 (VCV000675179.2), dbSNP rs77589724, ClinGen allele CA3239039.
Genomic context (GRCh38, chr5:37,224,383, plus strand): 5'-ACATTCTTCCCCTAGAAAGTTTTTAACCAACAATTAGTCATAGTTAATTATATTACTTCA[T>C]AAAAATTTACTTTGTTTTAAAATCCAGTTAATGGAGCTCAGCCAGAAATTATTTTGAAAA-3'

ClinVar aggregate classification (germline): Benign. Review status: criteria provided, multiple submitters, no conflicts (2 of 4 stars). 2 submissions from 2 submitters: Benign (2). Last evaluated 2018-06-19.

Allele frequency attached by ClinVar (database versions not stated): gnomAD exomes 0.10445 and 0.12123; 1000 Genomes Project 0.10923; gnomAD 0.11001 and 0.11080; 1000 Genomes Project 30x 0.11040; TOPMed 0.11066; ExAC 0.12217.
gnomAD v4.1: 145,832 of 1,383,890 alleles (11%); highest among the groups gnomAD compares: Admixed American, 16%; 8,140 homozygotes.

Submissions (2):

GeneDx
Classification: Benign. Last evaluated: 2018-06-19. Review status: criteria provided, single submitter. Criteria: GeneDx Variant Classification (06012015). Collection method: clinical testing. Allele origin: germline. Affected: yes.
Comment: This variant is considered likely benign or benign based on one or more of the following criteria: it is a conservative change, it occurs at a poorly conserved position in the protein, it is predicted to be benign by multiple in silico algorithms, and/or has population frequency not consistent with disease.

Breakthrough Genomics
Classification: Benign. Review status: criteria provided, single submitter. Criteria: ACMG Guidelines, 2015. Collection method: not provided. Allele origin: germline. Inheritance: Autosomal recessive inheritance. Affected: yes.